The following is an entry in ClinVar:

NM_001165963.4(SCN1A):c.3929G>A (p.Gly1310Glu)

Genes: SCN1A (sodium voltage-gated channel alpha subunit 1; minus strand), LOC102724058 (uncharacterized LOC102724058; plus strand). Cytogenetic location: 2q24.3.
Variant type: single nucleotide variant.
Coding change: c.3929G>A on transcript NM_001165963.4 (MANE Select); coding-DNA position 3929, G replaced by A.
Protein change: p.Gly1310Glu; replaces glycine 1310 with glutamic acid.
Molecular consequence: missense variant. On other transcripts: non-coding transcript variant (1).
Genome position (GRCh38, 1-based): chr2:166,009,792, C>T on the plus strand (G>A on the coding strand, the complement: SCN1A is on the minus strand). VCF-style: chr2-166009792-C-T. GRCh37 (hg19) VCF-style: chr2-166866302-C-T.
Other names: c.3845G>A, p.Gly1282Glu (NM_001165964.3, NM_001353957.2, NM_001353958.2); c.3929G>A, p.Gly1310Glu (NM_001202435.3, NM_001353948.2); c.3896G>A, p.Gly1299Glu (NM_001353949.2, NM_001353950.2, NM_001353951.2 and 2 more transcripts); c.3893G>A, p.Gly1298Glu (NM_001353954.2, NM_001353955.2); c.3842G>A, p.Gly1281Glu (NM_001353960.2); c.1487G>A, p.Gly496Glu (NM_001353961.2); short protein forms G1298E, G1310E, G496E, G1281E, G1282E, G1299E.
Identifiers: ClinVar variation 664717 (VCV000664717.9), dbSNP rs1574039742, ClinGen allele CA349053240.

ClinVar aggregate classification (germline): Pathogenic (1 of 4 stars; one submission).

Conditions:
Early-infantile DEE. Also called: Early infantile epileptic encephalopathy; Ohtahara syndrome; Early infantile epileptic encephalopathy with suppression bursts. Identifiers: Orphanet 1934, MedGen C0393706, MONDO:0800491.

Submission:

Labcorp Genetics (formerly Invitae), Labcorp
Classification: Pathogenic for Early-infantile DEE. Last evaluated: 2022-09-06. Review status: criteria provided, single submitter. Criteria: Invitae Variant Classification Sherloc (09022015). Collection method: clinical testing. Allele origin: germline.
Comment: For these reasons, this variant has been classified as Pathogenic. Advanced modeling of protein sequence and biophysical properties (such as structural, functional, and spatial information, amino acid conservation, physicochemical variation, residue mobility, and thermodynamic stability) performed at Invitae indicates that this missense variant is expected to disrupt SCN1A protein function. ClinVar contains an entry for this variant (Variation ID: 664717). This missense change has been observed in individual(s) with clinical features of SCN1A-related conditions (Invitae). In at least one individual the variant was observed to be de novo. This variant is not present in population databases (gnomAD no frequency). This sequence change replaces glycine, which is neutral and non-polar, with glutamic acid, which is acidic and polar, at codon 1310 of the SCN1A protein (p.Gly1310Glu).